The following is an entry in ClinVar:

ClinVar aggregate classification (germline): Uncertain significance. Review status: criteria provided, multiple submitters, no conflicts (2 of 4 stars). 3 submissions from 3 submitters: Uncertain significance (3). Last evaluated 2025-03-16.

Allele frequency attached by ClinVar (database versions not stated): TOPMed 0.00003; gnomAD 0.00001; ExAC 0.00003.
gnomAD v4.1: 32 of 1,612,272 alleles (0.002%); highest among the groups gnomAD compares: East Asian, 0.0045%; no homozygotes.

Submissions (3):

Labcorp Genetics (formerly Invitae), Labcorp
Classification: Uncertain significance. Last evaluated: 2025-03-16. Review status: criteria provided, single submitter. Criteria: Invitae Variant Classification Sherloc (09022015). Collection method: clinical testing. Allele origin: germline.
Comment: This sequence change replaces alanine, which is neutral and non-polar, with valine, which is neutral and non-polar, at codon 1913 of the NOTCH3 protein (p.Ala1913Val). This variant is present in population databases (rs759704420, gnomAD 0.006%). This variant has not been reported in the literature in individuals affected with NOTCH3-related conditions. ClinVar contains an entry for this variant (Variation ID: 2684142). Invitae Evidence Modeling of protein sequence and biophysical properties (such as structural, functional, and spatial information, amino acid conservation, physicochemical variation, residue mobility, and thermodynamic stability) indicates that this missense variant is not expected to disrupt NOTCH3 protein function with a negative predictive value of 95%. In summary, the available evidence is currently insufficient to determine the role of this variant in disease. Therefore, it has been classified as a Variant of Uncertain Significance.

Mayo Clinic Laboratories, Mayo Clinic
Classification: Uncertain significance. Last evaluated: 2024-05-16. Review status: criteria provided, single submitter. Criteria: ACMG Guidelines, 2015. Collection method: clinical testing. Allele origin: germline. Observed: 1 variant allele.
Comment: BP1, PP3

Athena Diagnostics
Classification: Uncertain significance. Last evaluated: 2022-10-19. Review status: criteria provided, single submitter. Criteria: Athena Diagnostics Criteria. Collection method: clinical testing. Allele origin: unknown.
Comment: Available data are insufficient to determine the clinical significance of the variant at this time. The frequency of this variant in the general population is higher than would generally be expected for pathogenic variants in this gene. Computational tools predict that this variant is damaging.

Literature cited by the submitters: PubMed 32672867 (cited by Mayo Clinic Laboratories, Mayo Clinic); PubMed 31785789 (cited by Athena Diagnostics).

NM_000435.3(NOTCH3):c.5738C>T (p.Ala1913Val)

Gene: NOTCH3 (notch receptor 3; minus strand). Cytogenetic location: 19p13.12.
Variant type: single nucleotide variant.
Coding change: c.5738C>T on transcript NM_000435.3 (MANE Select); coding-DNA position 5738, C replaced by T.
Protein change: p.Ala1913Val; replaces alanine 1913 with valine.
Molecular consequence: missense variant.
Genome position (GRCh38, 1-based): chr19:15,165,445, G>A on the plus strand (C>T on the coding strand, the complement: NOTCH3 is on the minus strand). VCF-style: chr19-15165445-G-A. GRCh37 (hg19) VCF-style: chr19-15276256-G-A.
Other names: p.Ala1913Val; short protein forms A1913V.
Identifiers: ClinVar variation 2684142 (VCV002684142.5), dbSNP rs759704420, ClinGen allele CA9262552.
Genomic context (GRCh38, chr19:15,165,445, plus strand): 5'-TTGACATCAGCATGGCTGGCGATGAGCTCTTCCACCATGCCCTCTACTGCCAGGCGGGCC[G>A]CCAGGATCAGTGCCGTTGAGCCATCTGCCATGCGGGCATCCAAGTCTGTAGAGCGGTTTC-3'
Protein context (NP_000426.2, residues 1903-1923): MADGSTALIL[Ala1913Val]ARLAVEGMVE